The following is an entry in ClinVar:

ClinVar aggregate classification (germline): Conflicting classifications of pathogenicity. Review status: criteria provided, conflicting classifications (1 of 4 stars). 2 submissions from 2 submitters: Uncertain significance (1); Likely benign (1). Last evaluated 2025-07-03.

Conditions:
Cardiovascular phenotype. Identifiers: MedGen CN230736.
Duchenne muscular dystrophy (DMD). Also called: MUSCULAR DYSTROPHY, PSEUDOHYPERTROPHIC PROGRESSIVE, DUCHENNE TYPE; Duchenne Muscular Dystrophy (DMD). Identifiers: Orphanet 98896, MedGen C0013264, MONDO:0010679, OMIM 310200.

Submissions (2):

Ambry Genetics
Classification: Likely benign for Cardiovascular phenotype. Last evaluated: 2025-07-03. Review status: criteria provided, single submitter. Criteria: Ambry Variant Classification Scheme 2023. Collection method: clinical testing. Allele origin: germline.

Labcorp Genetics (formerly Invitae), Labcorp
Classification: Uncertain significance for Duchenne muscular dystrophy. Last evaluated: 2024-02-21. Review status: criteria provided, single submitter. Criteria: Invitae Variant Classification Sherloc (09022015). Collection method: clinical testing. Allele origin: germline.
Comment: This sequence change replaces lysine, which is basic and polar, with arginine, which is basic and polar, at codon 874 of the DMD protein (p.Lys874Arg). This variant is not present in population databases (gnomAD no frequency). This variant has not been reported in the literature in individuals affected with DMD-related conditions. An algorithm developed to predict the effect of missense changes on protein structure and function (PolyPhen-2) suggests that this variant is likely to be disruptive. Algorithms developed to predict the effect of sequence changes on RNA splicing suggest that this variant may disrupt the consensus splice site. In summary, the available evidence is currently insufficient to determine the role of this variant in disease. Therefore, it has been classified as a Variant of Uncertain Significance.

NM_004006.3(DMD):c.2621A>G (p.Lys874Arg)

Gene: DMD (dystrophin; minus strand). Cytogenetic location: Xp21.1.
Variant type: single nucleotide variant.
Coding change: c.2621A>G on transcript NM_004006.3 (MANE Select); coding-DNA position 2621, A replaced by G.
Protein change: p.Lys874Arg; replaces lysine 874 with arginine.
Molecular consequence: missense variant.
Genome position (GRCh38, 1-based): chrX:32,491,278, T>C on the plus strand (A>G on the coding strand, the complement: DMD is on the minus strand). VCF-style: chrX-32491278-T-C. GRCh37 (hg19) VCF-style: chrX-32509395-T-C.
Other names: c.2597A>G, p.Lys866Arg (NM_000109.4); c.2609A>G, p.Lys870Arg (NM_004009.3); c.2252A>G, p.Lys751Arg (NM_004010.3); short protein forms K866R, K751R, K870R, K874R.
Identifiers: ClinVar variation 3708315 (VCV003708315.3).